The following is an entry in ClinVar:

ClinVar aggregate classification (germline): Uncertain significance (1 of 4 stars; one submission).

Conditions:
RASopathy. Also called: rasopathies; Noonan spectrum disorder. Identifiers: Orphanet 536391, MedGen C5555857, MONDO:0021060.

Submission:

Labcorp Genetics (formerly Invitae), Labcorp
Classification: Uncertain significance for RASopathy. Last evaluated: 2025-08-26. Review status: criteria provided, single submitter. Criteria: Invitae Variant Classification Sherloc (09022015). Collection method: clinical testing. Allele origin: germline.
Comment: This variant, c.119_127dup, results in the insertion of 3 amino acid(s) of the CBL protein (p.His40_His42dup), but otherwise preserves the integrity of the reading frame. This variant is not present in population databases (gnomAD no frequency). This variant has not been reported in the literature in individuals affected with CBL-related conditions. Experimental studies and prediction algorithms are not available or were not evaluated, and the functional significance of this variant is currently unknown. In summary, the available evidence is currently insufficient to determine the role of this variant in disease. Therefore, it has been classified as a Variant of Uncertain Significance.

NM_005188.4(CBL):c.107ACC[10] (p.His42_Leu43insHisHisHis)

Genes: CBL (Cbl proto-oncogene; plus strand), LOC130006895 (ATAC-STARR-seq lymphoblastoid silent region 3975; plus strand). Cytogenetic location: 11q23.3.
Variant type: Microsatellite.
Coding change: c.107ACC[10] on transcript NM_005188.4 (MANE Select); ten copies in a row of the 3-base unit ACC starting at c.107; the reference has seven copies in a row; three copies, 9 bases duplicated.
Protein change: p.His42_Leu43insHisHisHis.
Molecular consequence: inframe insertion.
Genome position (GRCh38, 1-based): chr11:119,206,536-119,206,544, ACCACCACC duplicated; duplicating any 9 consecutive bases within chr11:119,206,523-119,206,544 gives the same sequence; the position shown is the placement nearest the transcript's 3' end. VCF-style (leftmost placement, unchanged base first): chr11-119206522-G-GCACCACCAC. GRCh37 (hg19) VCF-style: chr11-119077232-G-GCACCACCAC.
Identifiers: ClinVar variation 4743917 (VCV004743917.1).